The following is an entry in ClinVar:

NM_000311.5(PRNP):c.229C>T (p.His77Tyr)

Gene: PRNP (prion protein (Kanno blood group); plus strand). Cytogenetic location: 20p13.
Variant type: single nucleotide variant.
Coding change: c.229C>T on transcript NM_000311.5 (MANE Select); coding-DNA position 229, C replaced by T.
Protein change: p.His77Tyr; replaces histidine 77 with tyrosine.
Molecular consequence: missense variant.
Genome position (GRCh38, 1-based): chr20:4,699,449, C>T. VCF-style: chr20-4699449-C-T. GRCh37 (hg19) VCF-style: chr20-4680095-C-T.
Other names: c.229C>T, p.His77Tyr (NM_001080121.3, NM_001080122.3, NM_001080123.3 and 1 more transcripts); c.140C>T, p.Pro47Leu (NM_001271561.3); short protein forms P47L, H77Y.
Identifiers: ClinVar variation 4088012 (VCV004088012.1).

ClinVar aggregate classification (germline): Uncertain significance (1 of 4 stars; one submission).

gnomAD v4.1: 1 of 1,569,992 alleles (0.000064%); no homozygotes.

Submission:

GeneDx
Classification: Uncertain significance. Last evaluated: 2025-03-26. Review status: criteria provided, single submitter. Criteria: GeneDx Variant Classification Process June 2021. Collection method: clinical testing. Allele origin: germline. Affected: yes.
Comment: Not observed at significant frequency in large population cohorts (gnomAD); In silico analysis indicates that this missense variant does not alter protein structure/function; Has not been previously published as pathogenic or benign to our knowledge